The following is an entry in ClinVar:

ClinVar aggregate classification (germline): Conflicting classifications of pathogenicity. Review status: criteria provided, conflicting classifications (1 of 4 stars). 2 submissions from 2 submitters: Uncertain significance (1); Likely benign (1). Last evaluated 2024-06-30.

Conditions:
Fabry disease. Also called: Fabry's disease; ALPHA-GALACTOSIDASE A DEFICIENCY; ANDERSON-FABRY DISEASE; CERAMIDE TRIHEXOSIDASE DEFICIENCY; GLA DEFICIENCY; HEREDITARY DYSTOPIC LIPIDOSIS. Identifiers: Orphanet 324, MedGen C0002986, MONDO:0010526, OMIM 301500, HP:0001071. Disease mechanism: Fabry disease is due to inactivating mutations in the X-linked GLA gene resulting in deficiency of the enzyme Alpha Galactosidase-A., loss of function.

Allele frequency attached by ClinVar (database versions not stated): gnomAD exomes 0.00001.
gnomAD v4.1: 8 of 1,178,462 alleles (0.00068%); highest among the groups gnomAD compares: Non-Finnish European, 0.00092%; no homozygotes.

Submissions (2):

Color Diagnostics, LLC DBA Color Health
Classification: Uncertain significance for Fabry disease. Last evaluated: 2024-06-30. Review status: criteria provided, single submitter. Criteria: ACMG Guidelines, 2015. Collection method: clinical testing. Allele origin: germline.
Comment: This variant is located in the GLA protein. To our knowledge, functional studies have not been reported for this variant. This variant has not been reported in individuals affected with GLA-related disorders in the literature. This variant has not been identified in the general population by the Genome Aggregation Database (gnomAD). The available evidence is insufficient to determine the role of this variant in disease conclusively. Therefore, this variant is classified as a Variant of Uncertain Significance.

Labcorp Genetics (formerly Invitae), Labcorp
Classification: Likely benign for Fabry disease. Last evaluated: 2019-06-07. Review status: criteria provided, single submitter. Criteria: Invitae Variant Classification Sherloc (09022015). Collection method: clinical testing. Allele origin: germline.

NM_000169.3(GLA):c.576T>C (p.Asn192=)

Genes: RPL36A-HNRNPH2 (RPL36A-HNRNPH2 readthrough; plus strand), GLA (galactosidase alpha; minus strand). Cytogenetic location: Xq22.1.
Variant type: single nucleotide variant.
Coding change: c.576T>C on transcript NM_000169.3 (MANE Select); coding-DNA position 576, T replaced by C.
Protein change: p.Asn192=; no amino-acid change (asparagine 192 retained).
Molecular consequence: synonymous variant. On other transcripts: non-coding transcript variant (2), intron variant (2).
Genome position (GRCh38, 1-based): chrX:101,400,729, A>G on the plus strand (T>C on the coding strand, the complement: GLA is on the minus strand). VCF-style: chrX-101400729-A-G. GRCh37 (hg19) VCF-style: chrX-100655717-A-G.
Other names: c.699T>C, p.Asn233= (NM_001406747.1); c.576T>C, p.Asn192= (NM_001406748.1); c.300+5272A>G (NM_001199973.2); c.177+8907A>G (NM_001199974.2).
Identifiers: ClinVar variation 1144759 (VCV001144759.10), dbSNP rs2147476101, ClinGen allele CA517520731.